The following is an entry in ClinVar:

ClinVar aggregate classification (germline): Conflicting classifications of pathogenicity. Review status: criteria provided, conflicting classifications (1 of 4 stars). 5 submissions from 5 submitters: Likely pathogenic (2); Uncertain significance (2); Likely benign (1). Last evaluated 2022-06-01.

Conditions:
Hereditary cancer-predisposing syndrome. Also called: Neoplastic Syndromes, Hereditary; Hereditary neoplastic syndrome; Tumor predisposition; Hereditary Cancer Syndrome. Identifiers: Orphanet 140162, MedGen C0027672, MeSH D009386, MONDO:0015356.
Gorlin syndrome. Also called: Basal cell nevus syndrome; Nevoid Basal Cell Carcinoma Syndrome. Identifiers: Orphanet 377, MedGen C0004779, MONDO:0007187.
Holoprosencephaly 7 (HPE7). Identifiers: Orphanet 2162, MedGen C1835820, MONDO:0012562, OMIM 610828.
Basal cell nevus syndrome 1 (BCNS1). Also called: GORLIN-GOLTZ SYNDROME; MULTIPLE BASAL CELL NEVI, ODONTOGENIC KERATOCYSTS, AND SKELETAL ANOMALIES. Identifiers: MedGen CN376810, MONDO:0958174, OMIM 109400.
Anophthalmia-microphthalmia syndrome. Also called: Anophthalmia/Microphthalmia; Anophthalmia - microphthalmia. Identifiers: Orphanet 98555, MedGen C5680330, MONDO:0020147.

Submissions (5):

Institute for Genomic Medicine (IGM) Clinical Laboratory, Nationwide Children's Hospital
Classification: Uncertain significance for Basal cell nevus syndrome 1. Last evaluated: 2022-06-01. Review status: criteria provided, single submitter. Criteria: ACMG Guidelines, 2015. Collection method: clinical testing. Allele origin: germline.
Comment: This variant is predicted to result in loss of function through nonsense-mediated decay of the encoded transcript or premature truncation of the encoded protein in a gene in which loss of function is a known mechanism of disease (ACMG/AMP: PVS1; PMIDs:8658145, 19557015).

MGZ Medical Genetics Center
Classification: Likely pathogenic for Basal cell nevus syndrome 1. Last evaluated: 2022-03-08. Review status: criteria provided, single submitter. Criteria: ACMG Guidelines, 2015. Collection method: clinical testing. Allele origin: germline. Affected: yes. Observed: 1 variant allele.
Comment: ACMG criteria applied: PVS1, PM2_SUP

Sema4
Classification: Likely benign for Hereditary cancer-predisposing syndrome. Last evaluated: 2021-06-14. Review status: criteria provided, single submitter. Criteria: Sema4 Curation Guidelines. Collection method: curation. Allele origin: germline.

New York Genome Center
Classification: Uncertain significance for Basal cell nevus syndrome 1; Holoprosencephaly 7. Last evaluated: 2021-06-07. Review status: criteria provided, single submitter. Criteria: NYGC Assertion Criteria 2020. Collection method: clinical testing. Allele origin: inherited. Observed: 1 heterozygote. Study: CSER-NYCKidSeq.
Comment: The inherited heterozygous PTCH1 variant c.4delG (p.Glu2AsnfsTer9) is localized in coding exon 1 of 23 which is unique to one of the longer transcripts (NM_001083603.2, isoform L′ from transcript 1a′; PMID: 29930296). This isoform was previously found to be expressed at very low levels in multiple human tissues (PMID: 15780749). In the other longer PTCH1 transcripts, this variant is present in the non-coding 5’ UTR region. This variant is predicted to alter the translational reading frame and cause loss of normal protein function either through protein truncationor nonsense-mediated mRNA decay. The c.4delG variant has been reported once in an individual with ocular anomalies - microphthalmia, cataract, and sclerocornea (PMID: 26893459). Ocular developmental anomalies can be seen as part of both the basal cell nevus syndrome and Holoprosencephaly phenotypes. This variant is present at a very low frequency (0.00002630, 4/152118 heterozygous alleles, no homozygotes) in gnomAD v3 indicating it is not a common benign variant in the populations represented in this database. Due to lack of additional genetic and functional evidence, the inherited heterozygous c.4delG (p.Glu2AsnfsTer9) variant seen in one of the alternate exons unique to a single transcript of PTCH1 gene is reported as a variant of uncertain significance.

Paul Sabatier University EA-4555, Paul Sabatier University
Classification: Likely pathogenic. Last evaluated: 2013-01-01. Review status: criteria provided, single submitter. Criteria: Chassaing et al. (Genome Res. 2016). Collection method: clinical testing. Allele origin: unknown. Inheritance: Autosomal dominant inheritance. Affected: yes. Observed: 1 heterozygote.
Comment: rare variant, functional studies demonstrating is deleterious effect on protein.

Literature cited by the submitters: PubMed 8658145 (cited by Institute for Genomic Medicine (IGM) Clinical Laboratory, Nationwide Children's Hospital); PubMed 19557015 (cited by Institute for Genomic Medicine (IGM) Clinical Laboratory, Nationwide Children's Hospital).

NM_001083603.3(PTCH1):c.4del (p.Glu2fs)

Gene: PTCH1 (patched 1; minus strand). Cytogenetic location: 9q22.32.
Variant type: Deletion.
Coding change: c.4del on transcript NM_001083603.3 (MANE Plus Clinical); coding-DNA position 4, one base deleted (G; older notation c.4delG).
Protein change: p.Glu2fs; shifts the reading frame from glutamic acid 2.
Molecular consequence: frameshift variant, initiator codon variant. On other transcripts: 5 prime UTR variant (2).
Genome position (GRCh38, 1-based): chr9:95,516,817, C deleted on the plus strand (G on the coding strand, the reverse complement: PTCH1 is on the minus strand); the first of 2 consecutive C bases (chr9:95,516,817-95,516,818); deleting either gives the same sequence. VCF-style (leftmost placement, unchanged base first): chr9-95516816-TC-T. GRCh37 (hg19) VCF-style: chr9-98279098-TC-T.
Other names: c.-346del (NM_001083602.3, NM_001354919.2); short protein forms E2fs.
Identifiers: ClinVar variation 221923 (VCV000221923.9), dbSNP rs752765582, ClinGen allele CA072931.